The following is an entry in ClinVar:

NM_004415.4(DSP):c.2509C>T (p.Gln837Ter)

Gene: DSP (desmoplakin; plus strand). Cytogenetic location: 6p24.3.
Variant type: single nucleotide variant.
Coding change: c.2509C>T on transcript NM_004415.4 (MANE Select); coding-DNA position 2509, C replaced by T.
Protein change: p.Gln837Ter; replaces glutamine 837 with a stop codon.
Molecular consequence: nonsense.
Genome position (GRCh38, 1-based): chr6:7,575,367, C>T. VCF-style: chr6-7575367-C-T. GRCh37 (hg19) VCF-style: chr6-7575600-C-T.
Other names: c.2509C>T, p.Gln837Ter (NM_001008844.3, NM_001319034.2); short protein forms Q837*.
Identifiers: ClinVar variation 3894426 (VCV003894426.1).

ClinVar aggregate classification (germline): Pathogenic (1 of 4 stars; one submission).

Conditions:
Cardiomyopathy (CMYO). Also called: Cardiomyopathies. Identifiers: Orphanet 167848, MedGen C0878544, MONDO:0004994, HP:0001638. Inheritance: Various modes of inheritance.

Submission:

Color Diagnostics, LLC DBA Color Health
Classification: Pathogenic for Cardiomyopathy. Last evaluated: 2024-01-03. Review status: criteria provided, single submitter. Criteria: ACMG Guidelines, 2015. Collection method: clinical testing. Allele origin: germline.
Comment: This variant changes 1 nucleotide in exon 18/24 of the DSP gene, creating a premature translation stop signal. This variant is expected to result in an absent or non-functional protein product. To our knowledge, this variant has not been reported in individuals affected with DSP-related disorders in the literature. This variant has not been identified in the general population by the Genome Aggregation Database (gnomAD). Loss of DSP function is a known mechanism of disease. Based on the available evidence, this variant is classified as Pathogenic.